The following is an entry in ClinVar:

NM_004706.4(ARHGEF1):c.269A>G (p.Lys90Arg)

Gene: ARHGEF1 (Rho guanine nucleotide exchange factor 1; plus strand). Cytogenetic location: 19q13.2.
Variant type: single nucleotide variant.
Coding change: c.269A>G on transcript NM_004706.4 (MANE Select); coding-DNA position 269, A replaced by G.
Protein change: p.Lys90Arg; replaces lysine 90 with arginine.
Molecular consequence: missense variant. On other transcripts: non-coding transcript variant (2), intron variant (3).
Genome position (GRCh38, 1-based): chr19:41,892,068, A>G. VCF-style: chr19-41892068-A-G. GRCh37 (hg19) VCF-style: chr19-42396139-A-G.
Other names: c.269A>G, p.Lys90Arg (NM_001396000.1, NM_001396003.1, NM_001396006.1); c.314A>G, p.Lys105Arg (NM_199002.2); c.226-263A>G (NM_001396002.1, NM_198977.2, NM_001396004.1); short protein forms K90R, K105R.
Identifiers: ClinVar variation 4727422 (VCV004727422.1).

ClinVar aggregate classification (germline): Uncertain significance (1 of 4 stars; one submission).

Submission:

Labcorp Genetics (formerly Invitae), Labcorp
Classification: Uncertain significance. Last evaluated: 2025-09-23. Review status: criteria provided, single submitter. Criteria: Invitae Variant Classification Sherloc (09022015). Collection method: clinical testing. Allele origin: germline.
Comment: This sequence change replaces lysine, which is basic and polar, with arginine, which is basic and polar, at codon 105 of the ARHGEF1 protein (p.Lys105Arg). This variant is not present in population databases (gnomAD no frequency). This variant has not been reported in the literature in individuals affected with ARHGEF1-related conditions. An algorithm developed to predict the effect of missense changes on protein structure and function (PolyPhen-2) suggests that this variant is likely to be disruptive. In summary, the available evidence is currently insufficient to determine the role of this variant in disease. Therefore, it has been classified as a Variant of Uncertain Significance.